The following is an entry in ClinVar:

NM_002473.6(MYH9):c.1827G>A (p.Ser609=)

Gene: MYH9 (myosin heavy chain 9; minus strand). Cytogenetic location: 22q12.3.
Variant type: single nucleotide variant.
Coding change: c.1827G>A on transcript NM_002473.6 (MANE Select); coding-DNA position 1827, G replaced by A.
Protein change: p.Ser609=; no amino-acid change (serine 609 retained).
Molecular consequence: synonymous variant.
Genome position (GRCh38, 1-based): chr22:36,309,298, C>T on the plus strand (G>A on the coding strand, the complement: MYH9 is on the minus strand). VCF-style: chr22-36309298-C-T. GRCh37 (hg19) VCF-style: chr22-36705343-C-T.
Other names: p.Ser609=.
Identifiers: ClinVar variation 2050901 (VCV002050901.6), dbSNP rs375576418, ClinGen allele CA10210195.
Genomic context (GRCh38, chr22:36,309,298, plus strand): 5'-GCCGCAGCCAAGAGGAGGCAGGGGGCGAAGGGCAAAGGGCGTACCATCCTTCCACAGCTC[C>T]GAGACAAACTTGTCAGAGGACTGGTGGAGCAGTGTGGCGATGTTGTCATTCAGGGGATCC-3'
Protein context (NP_002464.1, residues 599-619): LLHQSSDKFV[Ser609=]ELWKDVDRII

ClinVar aggregate classification (germline): Conflicting classifications of pathogenicity. Review status: criteria provided, conflicting classifications (1 of 4 stars). 3 submissions from 3 submitters: Uncertain significance (1); Likely benign (2). Last evaluated 2025-06-12.

Allele frequency attached by ClinVar (database versions not stated): ExAC 0.00006; TOPMed 0.00014; ESP Exome Variant Server 0.00015; gnomAD 0.00016.
gnomAD v4.1: 425 of 1,613,988 alleles (0.026%); highest among the groups gnomAD compares: Non-Finnish European, 0.034%; no homozygotes.

Submissions (3):

Labcorp Genetics (formerly Invitae), Labcorp
Classification: Uncertain significance. Last evaluated: 2025-06-12. Review status: criteria provided, single submitter. Criteria: Invitae Variant Classification Sherloc (09022015). Collection method: clinical testing. Allele origin: germline.
Comment: This sequence change replaces serine, which is neutral and polar, with serine, which is neutral and polar, at codon 609 of the MYH9 protein (Silent). This variant is present in population databases (rs375576418, gnomAD 0.02%). This variant has not been reported in the literature in individuals affected with MYH9-related conditions. ClinVar contains an entry for this variant (Variation ID: 2050901). Algorithms developed to predict the effect of sequence changes on RNA splicing suggest that this variant is not likely to affect RNA splicing. In summary, the available evidence is currently insufficient to determine the role of this variant in disease. Therefore, it has been classified as a Variant of Uncertain Significance.

Mayo Clinic Laboratories, Mayo Clinic
Classification: Likely benign. Last evaluated: 2025-05-12. Review status: criteria provided, single submitter. Criteria: ACMG Guidelines, 2015. Collection method: clinical testing. Allele origin: germline. Observed: 1 variant allele.
Comment: BP4, BP7

Blueprint Genetics
Classification: Likely benign. Last evaluated: 2024-09-10. Review status: criteria provided, single submitter. Criteria: ACMG Guidelines, 2015. Collection method: clinical testing. Allele origin: germline.